The following is an entry in ClinVar:

ClinVar aggregate classification (germline): Uncertain significance (1 of 4 stars; one submission).

Allele frequency attached by ClinVar (database versions not stated): gnomAD 0.00001; TOPMed 0.00002.
gnomAD v4.1: 12 of 1,545,652 alleles (0.00078%); highest among the groups gnomAD compares: Non-Finnish European, 0.001%; no homozygotes.

Submission:

GeneDx
Classification: Uncertain significance. Last evaluated: 2021-12-23. Review status: criteria provided, single submitter. Criteria: GeneDx Variant Classification Process June 2021. Collection method: clinical testing. Allele origin: germline. Affected: yes.
Comment: Not observed in large population cohorts (Lek et al., 2016); In silico analysis supports that this missense variant has a deleterious effect on protein structure/function; Has not been previously published as pathogenic or benign to our knowledge

NM_001292063.2(OTOG):c.1156G>A (p.Ala386Thr)

Gene: OTOG (otogelin; plus strand). Cytogenetic location: 11p15.1.
Variant type: single nucleotide variant.
Coding change: c.1156G>A on transcript NM_001292063.2 (MANE Select); coding-DNA position 1156, G replaced by A.
Protein change: p.Ala386Thr; replaces alanine 386 with threonine.
Molecular consequence: missense variant.
Genome position (GRCh38, 1-based): chr11:17,559,104, G>A. VCF-style: chr11-17559104-G-A. GRCh37 (hg19) VCF-style: chr11-17580651-G-A.
Other names: c.1192G>A, p.Ala398Thr (NM_001277269.2); short protein forms A386T, A398T.
Identifiers: ClinVar variation 1313547 (VCV001313547.3), dbSNP rs994364425, ClinGen allele CA218495995.